The following is an entry in ClinVar:

NM_153704.6(TMEM67):c.1319G>A (p.Arg440Gln)

Gene: TMEM67 (transmembrane protein 67; plus strand). Cytogenetic location: 8q22.1.
Variant type: single nucleotide variant.
Coding change: c.1319G>A on transcript NM_153704.6 (MANE Select); coding-DNA position 1319, G replaced by A.
Protein change: p.Arg440Gln; replaces arginine 440 with glutamine.
Molecular consequence: missense variant. On other transcripts: non-coding transcript variant (1).
Genome position (GRCh38, 1-based): chr8:93,786,253, G>A. VCF-style: chr8-93786253-G-A. GRCh37 (hg19) VCF-style: chr8-94798481-G-A.
Other names: c.1076G>A, p.Arg359Gln (NM_001142301.1); short protein forms R359Q, R440Q.
Identifiers: ClinVar variation 56764 (VCV000056764.30), dbSNP rs386834182, ClinGen allele CA144435.
Genomic context (GRCh38, chr8:93,786,253, plus strand): 5'-CAGTAAACTTTTTTCTTTTTATAATAAAAGACAGCAACTCTGGAAAGTGGCTTCTAACTC[G>A]GCGCATTTTCTTAGTGGATGCAGTAAGTGGACGAGAAAATGACTTAGGAACTCAGCCAAG-3'
Protein context (NP_714915.3, residues 430-450): DSNSGKWLLT[Arg440Gln]RIFLVDAVSG

ClinVar aggregate classification (germline): Pathogenic/Likely pathogenic. Review status: criteria provided, multiple submitters, no conflicts (2 of 4 stars). 13 submissions from 13 submitters: Pathogenic (10); Likely pathogenic (2). 1 of the submissions does not count toward it. Last evaluated 2026-03-10.

Conditions:
Joubert syndrome and related disorders. Identifiers: Orphanet 140874, MedGen C5679612, MONDO:0015369.
Meckel syndrome, type 3 (MKS3). Also called: MECKEL-GRUBER SYNDROME, TYPE 3. Identifiers: Orphanet 564, MedGen C1846357, MONDO:0011821, OMIM 607361.
Nephronophthisis 11 (NPHP11). Identifiers: Orphanet 84081, MedGen C3150796, MONDO:0013302, OMIM 613550.
Joubert syndrome 6 (JBTS6). Identifiers: Orphanet 475, MedGen C1853153, MONDO:0012539, OMIM 610688.
RHYNS syndrome. Also called: RETINITIS PIGMENTOSA SYNDROME; RETINITIS PIGMENTOSA, HYPOPITUITARISM, NEPHRONOPHTHISIS, AND MILD SKELETAL DYSPLASIA. Identifiers: Orphanet 140976, MedGen C1865794, MONDO:0011202, OMIM 602152.
Bardet-Biedl syndrome 14 (BBS14). Identifiers: Orphanet 110, MedGen C2673874, MONDO:0014442, OMIM 615991.
COACH syndrome 1. Identifiers: Orphanet 1454, MedGen C5435651, MONDO:0800103, OMIM 216360, MONDO:0008996.
TMEM67-related disorder. Also called: TMEM67-related disorders; TMEM67-related condition. Identifiers: MedGen CN239423.
Inborn genetic diseases. Identifiers: MedGen C0950123, MeSH D030342.
Meckel-Gruber syndrome. Also called: Dysencephalia splachnocystica; DYSENCEPHALIA SPLANCHNOCYSTICA; GRUBER SYNDROME. Identifiers: Orphanet 564, MedGen C0265215, MONDO:0018921.
Joubert syndrome. Also called: Familial aplasia of the vermis; JOUBERT-BOLTSHAUSER SYNDROME. Identifiers: Orphanet 475, MedGen C5979921, MONDO:0018772.

Allele frequency attached by ClinVar (database versions not stated): gnomAD 0.00004; gnomAD exomes 0.00006 and 0.00009; TOPMed 0.00006; ExAC 0.00007.
gnomAD v4.1: 132 of 1,613,938 alleles (0.0082%); highest among the groups gnomAD compares: Non-Finnish European, 0.0099%; no homozygotes.

Submissions (13):

PreventionGenetics, part of Exact Sciences
Classification: Pathogenic for TMEM67-related condition. Last evaluated: 2026-03-10. Review status: criteria provided, single submitter. Criteria: ACMG Guidelines, 2015. Collection method: clinical testing. Allele origin: germline.
Comment: The TMEM67 c.1319G>A variant is predicted to result in the amino acid substitution p.Arg440Gln. This missense variant has been reported in the homozygous and compound heterozygous state in multiple individuals with Meckel-Gruber syndrome and is classified as pathogenic (Khaddour et al. 2007. PubMed ID: 17397051; Consugar et al. 2007. PubMed ID: 17377820; Tallila et al. 2009. PubMed ID: 19466712). This variant is reported in 0.012% of alleles in individuals of European (Non-Finnish) descent in gnomAD. This variant is interpreted as pathogenic.

Ambry Genetics
Classification: Pathogenic for Inborn genetic diseases. Last evaluated: 2025-12-19. Review status: criteria provided, single submitter. Criteria: Ambry Variant Classification Scheme 2023. Collection method: clinical testing. Allele origin: germline.
Comment: The c.1319G>A (p.R440Q) alteration is located in exon 13 (coding exon 13) of the TMEM67 gene. This alteration results from a G to A substitution at nucleotide position 1319, causing the arginine (R) at amino acid position 440 to be replaced by a glutamine (Q). Based on data from gnomAD, the A allele has an overall frequency of 0.006% (17/282616) total alleles studied. The highest observed frequency was 0.012% (15/129088) of European (non-Finnish) alleles. This variant has been identified in the homozygous state and/or in conjunction with other TMEM67 variant(s) in individual(s) with features consistent with TMEM67-related ciliopathy; in at least one instance, the variants were identified in trans (Consugar, 2007; Khaddour, 2007; Brancati, 2009; Tallila, 2009; Iannicelli, 2010; Westerfield, 2015; Watson, 2016). This amino acid position is highly conserved in available vertebrate species. This alteration is predicted to be deleterious by in silico analysis. Based on the available evidence, this alteration is classified as pathogenic.

Labcorp Genetics (formerly Invitae), Labcorp
Classification: Pathogenic for Joubert syndrome; Meckel-Gruber syndrome. Last evaluated: 2025-12-09. Review status: criteria provided, single submitter. Criteria: Invitae Variant Classification Sherloc (09022015). Collection method: clinical testing. Allele origin: germline.
Comment: This sequence change replaces arginine, which is basic and polar, with glutamine, which is neutral and polar, at codon 440 of the TMEM67 protein (p.Arg440Gln). This variant is present in population databases (rs386834182, gnomAD 0.01%). This missense change has been observed in individuals with Meckel–Gruber syndrome (PMID: 17377820, 17397051). It has also been observed to segregate with disease in related individuals. ClinVar contains an entry for this variant (Variation ID: 56764). Invitae Evidence Modeling of protein sequence and biophysical properties (such as structural, functional, and spatial information, amino acid conservation, physicochemical variation, residue mobility, and thermodynamic stability) indicates that this missense variant is expected to disrupt TMEM67 protein function with a positive predictive value of 95%. For these reasons, this variant has been classified as Pathogenic.

Dasa
Classification: Pathogenic. Last evaluated: 2025-09-17. Review status: criteria provided, single submitter. Criteria: DASA Assertion Criteria. Collection method: clinical testing. Allele origin: germline.
Comment: NM_153704.6(TMEM67):c.1319G>A (p.Arg440Gln) is a missense variant that results in the substitution of arginine with glutamine. The affected residue or protein region has prior evidence supporting clinical relevance. This variant has been observed in affected individuals with related phenotype in a genotype context consistent with recessive disease (PMID: 32000717; PMID: 30266093; PMID: 17397051; PMID: 26035863; PMID: 20232449). Functional evidence supports a deleterious effect on the gene or gene product (PMID: 32000717; PMID: 30266093; PMID: 17397051; PMID: 26035863; PMID: 20232449). This variant has been recurrently observed in individuals with related phenotype (PMID: 32000717; PMID: 30266093; PMID: 17397051; PMID: 26035863; PMID: 20232449). Multiple computational predictions support a deleterious effect on the gene or gene product. The variant is present at low frequency in population datasets. Based on the available data, this variant is classified as pathogenic.

Fulgent Genetics
Classification: Pathogenic for COACH syndrome 1; RHYNS syndrome; Meckel syndrome, type 3; Joubert syndrome 6; Nephronophthisis 11; Bardet-Biedl syndrome 14. Last evaluated: 2024-05-21. Review status: criteria provided, single submitter. Criteria: ACMG Guidelines, 2015. Collection method: clinical testing. Allele origin: germline.

GeneDx
Classification: Pathogenic. Last evaluated: 2024-01-02. Review status: criteria provided, single submitter. Criteria: GeneDx Variant Classification Process June 2021. Collection method: clinical testing. Allele origin: germline. Affected: yes.
Comment: Published functional studies in a knockout mouse model demonstrate a damaging effect with abolished binding to Wnt5a (PMID: 26035863); Not observed at significant frequency in large population cohorts (gnomAD); In silico analysis supports that this missense variant has a deleterious effect on protein structure/function; This variant is associated with the following publications: (PMID: 17377820, 19058225, 20232449, 26729329, 26275793, 19466712, 30266093, 17397051, 36090483, 26035863)

Blueprint Genetics
Classification: Pathogenic for TMEM67-related disorders. Last evaluated: 2023-10-11. Review status: criteria provided, single submitter. Criteria: ACMG Guidelines, 2015. Collection method: clinical testing. Allele origin: germline. Affected: yes. Observed: 5 variant alleles.

Mayo Clinic Laboratories, Mayo Clinic
Classification: Pathogenic. Last evaluated: 2023-07-06. Review status: criteria provided, single submitter. Criteria: ACMG Guidelines, 2015. Collection method: clinical testing. Allele origin: germline. Observed: 1 variant allele.
Comment: PP1_strong, PP3, PM2, PM3, PS3_supporting, PS4_moderate

Women's Health and Genetics/Laboratory Corporation of America, LabCorp
Classification: Pathogenic for Joubert syndrome and related disorders. Last evaluated: 2021-12-14. Review status: criteria provided, single submitter. Criteria: LabCorp Variant Classification Summary - May 2015. Collection method: clinical testing. Allele origin: germline.
Comment: Variant summary: TMEM67 c.1319G>A (p.Arg440Gln) results in a conservative amino acid change in the encoded protein sequence. Four of five in-silico tools predict a damaging effect of the variant on protein function. The variant allele was found at a frequency of 6e-05 in 251216 control chromosomes (gnomAD). This frequency is not higher than expected for a pathogenic variant in TMEM67 causing Joubert Syndrome and Related Disorders (0.0018), allowing no conclusion about variant significance. The variant, c.1319G>A, has been reported in the literature in multiple homozygous- and compound heterozygous individuals affected with Joubert Syndrome and Related Disorders (Consugar_2007, Khaddour_2007, Tallila_2009, Brancati_2009, Iannicelli_2010), including segregation evidence in some families (Consugar_2007, Tallila_2009). These data indicate that the variant is very likely to be associated with disease. At least one publication reports experimental evidence evaluating an impact on protein function, and demonstrated that the variant abolished binding to Wnt5a, and failed to restore the de-regulated Wnt/beta-catenin signaling in Tmem67 -/- mouse embryonic fibroblasts (Abdelhamed_2015).Three clinical diagnostic laboratories have submitted clinical-significance assessments for this variant to ClinVar after 2014, and classified the variant as VUS, likely pathogenic or pathogenic. Based on the evidence outlined above, the variant was classified as pathogenic.

Revvity Omics, Revvity
Classification: Likely pathogenic. Last evaluated: 2021-02-01. Review status: criteria provided, single submitter. Criteria: ACMG Guidelines, 2015. Collection method: clinical testing. Allele origin: germline.

Genetic Services Laboratory, University of Chicago
Classification: Likely pathogenic. Last evaluated: 2018-04-02. Review status: criteria provided, single submitter. Criteria: ACMG Guidelines, 2015. Collection method: clinical testing. Allele origin: germline. Affected: yes.

Baylor Genetics
Classification: Pathogenic for Meckel syndrome, type 3. Review status: criteria provided, single submitter. Criteria: ACMG Guidelines, 2015. Collection method: clinical testing. Allele origin: unknown.

Juha Muilu Group; Institute for Molecular Medicine Finland (FIMM)
Classification: Likely pathogenic for Meckel syndrome type 3. Review status: no assertion criteria provided. Collection method: not provided. Allele origin: unknown. Not counted in ClinVar's aggregate classification.
Comment: FinDis database variant: This variant was not found or characterized by our laboratory, data were collected from public sources: see reference
ClinVar note: Converted during submission from probable-pathogenic to Likely pathogenic.

Literature cited by the submitters: PubMed 17377820 (cited by 4 submitters); PubMed 17397051 (cited by 5 submitters); PubMed 19058225 (cited by 4 submitters); PubMed 19466712 (cited by 3 submitters); PubMed 20232449 (cited by 4 submitters); PubMed 26275793 (cited by Ambry Genetics and Mayo Clinic Laboratories, Mayo Clinic); PubMed 26729329 (cited by 3 submitters); PubMed 32000717 (cited by Dasa); PubMed 30266093 (cited by Dasa and Mayo Clinic Laboratories, Mayo Clinic); PubMed 26035863 (cited by 3 submitters); PubMed 36090483 (cited by Mayo Clinic Laboratories, Mayo Clinic); PubMed 26546361 (cited by Women's Health and Genetics/Laboratory Corporation of America, LabCorp); PubMed 25326635 (cited by Baylor Genetics).